The following is an entry in ClinVar:

NM_001347721.2(DYRK1A):c.1225C>G (p.Pro409Ala)

Gene: DYRK1A (dual specificity tyrosine phosphorylation regulated kinase 1A; plus strand). Cytogenetic location: 21q22.13.
Variant type: single nucleotide variant.
Coding change: c.1225C>G on transcript NM_001347721.2 (MANE Select); coding-DNA position 1225, C replaced by G.
Protein change: p.Pro409Ala; replaces proline 409 with alanine.
Molecular consequence: missense variant.
Genome position (GRCh38, 1-based): chr21:37,505,295, C>G. VCF-style: chr21-37505295-C-G. GRCh37 (hg19) VCF-style: chr21-38877598-C-G.
Other names: c.1225C>G, p.Pro409Ala (NM_001347722.2, NM_130436.2); c.1138C>G, p.Pro380Ala (NM_001347723.2); c.1252C>G, p.Pro418Ala (NM_001396.5, NM_101395.2, NM_130438.2); short protein forms P380A, P409A, P418A.
Identifiers: ClinVar variation 4527161 (VCV004527161.1).

ClinVar aggregate classification (germline): Uncertain significance (1 of 4 stars; one submission).

gnomAD v4.1: 1 of 1,610,362 alleles (0.000062%); highest among the groups gnomAD compares: East Asian, 0.0022%; no homozygotes.

Submission:

GeneDx
Classification: Uncertain significance. Last evaluated: 2025-04-15. Review status: criteria provided, single submitter. Criteria: GeneDx Variant Classification Process June 2021. Collection method: clinical testing. Allele origin: germline. Affected: yes.
Comment: Not observed at significant frequency in large population cohorts (gnomAD); In silico analysis supports that this missense variant has a deleterious effect on protein structure/function; Has not been previously published as pathogenic or benign to our knowledge